The following is an entry in ClinVar:

ClinVar aggregate classification (germline): Uncertain significance. Review status: criteria provided, multiple submitters, no conflicts (2 of 4 stars). 3 submissions from 3 submitters: Uncertain significance (3). Last evaluated 2025-12-10.

Conditions:
Inborn genetic diseases. Identifiers: MedGen C0950123, MeSH D030342.

Allele frequency attached by ClinVar (database versions not stated): gnomAD exomes 0.00001; ExAC 0.00002; gnomAD 0.00006; TOPMed 0.00013; ESP Exome Variant Server 0.00016.
gnomAD v4.1: 26 of 1,613,778 alleles (0.0016%); highest among the groups gnomAD compares: African/African-American, 0.02%; no homozygotes.

Submissions (3):

Labcorp Genetics (formerly Invitae), Labcorp
Classification: Uncertain significance. Last evaluated: 2025-12-10. Review status: criteria provided, single submitter. Criteria: Invitae Variant Classification Sherloc (09022015). Collection method: clinical testing. Allele origin: germline.
Comment: This sequence change replaces arginine, which is basic and polar, with glutamine, which is neutral and polar, at codon 1147 of the ANKRD26 protein (p.Arg1147Gln). This variant is present in population databases (rs374176783, gnomAD 0.02%). This variant has not been reported in the literature in individuals affected with ANKRD26-related conditions. ClinVar contains an entry for this variant (Variation ID: 2663061). An algorithm developed to predict the effect of missense changes on protein structure and function outputs the following: PolyPhen-2: "Benign". The glutamine amino acid residue is found in multiple mammalian species, which suggests that this missense change does not adversely affect protein function. In summary, the available evidence is currently insufficient to determine the role of this variant in disease. Therefore, it has been classified as a Variant of Uncertain Significance.

GeneDx
Classification: Uncertain significance. Last evaluated: 2025-06-10. Review status: criteria provided, single submitter. Criteria: GeneDx Variant Classification Process June 2021. Collection method: clinical testing. Allele origin: germline.
Comment: In silico analysis supports that this missense variant has a deleterious effect on protein structure/function; Has not been previously published as pathogenic or benign to our knowledge

Ambry Genetics
Classification: Uncertain significance for Inborn genetic diseases. Last evaluated: 2024-11-24. Review status: criteria provided, single submitter. Criteria: Ambry Variant Classification Scheme 2023. Collection method: clinical testing. Allele origin: germline.
Comment: The p.R1147Q variant (also known as c.3440G>A), located in coding exon 24 of the ANKRD26 gene, results from a G to A substitution at nucleotide position 3440. The arginine at codon 1147 is replaced by glutamine, an amino acid with highly similar properties. This amino acid position is conserved. In addition, this alteration is predicted to be tolerated by in silico analysis. Based on the available evidence, the clinical significance of this variant remains unclear.

NM_014915.3(ANKRD26):c.3440G>A (p.Arg1147Gln)

Gene: ANKRD26 (ankyrin repeat domain 26; minus strand). Cytogenetic location: 10p12.1.
Variant type: single nucleotide variant.
Coding change: c.3440G>A on transcript NM_014915.3 (MANE Select); coding-DNA position 3440, G replaced by A.
Protein change: p.Arg1147Gln; replaces arginine 1147 with glutamine.
Molecular consequence: missense variant.
Genome position (GRCh38, 1-based): chr10:27,035,010, C>T on the plus strand (G>A on the coding strand, the complement: ANKRD26 is on the minus strand). VCF-style: chr10-27035010-C-T. GRCh37 (hg19) VCF-style: chr10-27323939-C-T.
Other names: c.3437G>A, p.Arg1146Gln (NM_001256053.2); short protein forms R1146Q, R1147Q.
Identifiers: ClinVar variation 2663061 (VCV002663061.7), dbSNP rs374176783, ClinGen allele CA5448037.